The following is an entry in ClinVar:

ClinVar aggregate classification (germline): Uncertain significance (1 of 4 stars; one submission).

Conditions:
Iron-refractory iron deficiency anemia (IRIDA). Also called: IRIDA syndrome; IRON-HANDLING DISORDER, HEREDITARY; ANEMIA, HYPOCHROMIC MICROCYTIC, WITH DEFECT IN IRON METABOLISM; PSEUDO-IRON-DEFICIENCY ANEMIA. Identifiers: Orphanet 209981, MedGen C0085576, MONDO:0008788, OMIM 206200. Disease mechanism: loss of function.

Submission:

Broad Center for Mendelian Genomics, Broad Institute of MIT and Harvard
Classification: Uncertain significance for Iron-refractory iron deficiency anemia. Last evaluated: 2023-05-02. Review status: criteria provided, single submitter. Criteria: ACMG Guidelines, 2015. Collection method: curation. Allele origin: germline. Inheritance: Autosomal recessive inheritance.
Comment: The c.836+1G>A variant in TMPRSS6 has been previously reported in one individual with iron-refractory iron deficiency anemia (Heeney et al., Blood 2009; 114 (22)) but has been identified in 0.003% (1/29098) of South Aisan chromosomes by the Genome Aggregation Database (gnomAD; dbSNP ID: rs757356137). Although this variant has been seen in the general population in a heterozygous state, its frequency is low enough to be consistent with a recessive carrier frequency. A different nucleotide change that also results in a splice donor variant at the same site, c.863‚Äâ+‚Äâ1G>T, has been previously reported pathogenic (PMID: 27643674, PMID: 21618415), and the variant being assessed here, c.836+1G>A, is predicted by SpliceAI to have a similar effect on splicing. This variant is located in the 5' splice region. Computational tools predict a splicing impact, though this information is not predictive enough to determine pathogenicity. There is an in-frame cryptic splice site 42 bases from the intron-exon boundary, providing evidence that this variant may delete 14 amino acids instead of causing loss of function. However, this information is not predictive enough to determine pathogenicity. Loss of function of the TMPRSS6 gene is an established disease mechanism in autosomal recessive vasculitis, iron-refractory iron deficiency anemia. In summary, while there is some suspicion for a pathogenic role, the clinical significance of this variant is uncertain. ACMG/AMP Criteria applied: PVS1_Moderate, PM2_Supporting, PS1_Supporting (Richards 2015).

NM_001374504.1(TMPRSS6):c.836+1G>A

Gene: TMPRSS6 (transmembrane serine protease 6; minus strand). Cytogenetic location: 22q12.3.
Variant type: single nucleotide variant.
Coding change: c.836+1G>A on transcript NM_001374504.1 (MANE Select); the canonical splice donor site of the intron after coding-DNA position 836, G replaced by A.
Molecular consequence: splice donor variant.
Genome position (GRCh38, 1-based): chr22:37,089,577, C>T on the plus strand (G>A on the coding strand, the complement: TMPRSS6 is on the minus strand). VCF-style: chr22-37089577-C-T. GRCh37 (hg19) VCF-style: chr22-37485617-C-T.
Other names: NM_153609.4:c.836+1G>A; c.836+1G>A (NM_001289000.2, NM_001289001.2, NM_153609.4).
Identifiers: ClinVar variation 2500843 (VCV002500843.1), dbSNP rs757356137, ClinGen allele CA10215900.